The following is an entry in ClinVar:

NM_021954.4(GJA3):c.589C>T (p.Pro197Ser)

Gene: GJA3 (gap junction protein alpha 3; minus strand). Cytogenetic location: 13q12.11.
Variant type: single nucleotide variant.
Coding change: c.589C>T on transcript NM_021954.4 (MANE Select); coding-DNA position 589, C replaced by T.
Protein change: p.Pro197Ser; replaces proline 197 with serine.
Molecular consequence: missense variant.
Genome position (GRCh38, 1-based): chr13:20,142,700, G>A on the plus strand (C>T on the coding strand, the complement: GJA3 is on the minus strand). VCF-style: chr13-20142700-G-A. GRCh37 (hg19) VCF-style: chr13-20716839-G-A.
Other names: short protein forms P197S.
Identifiers: ClinVar variation 3253693 (VCV003253693.1), dbSNP rs2500171499.

ClinVar aggregate classification (germline): Uncertain significance (1 of 4 stars; one submission).

Conditions:
Cataract 14 multiple types. Also called: CATARACT 14, ZONULAR PULVERULENT; CATARACT 14, NUCLEAR PULVERULENT; CATARACT 14, NUCLEAR PULVERULENT AND POSTERIOR POLAR; CATARACT 14, NUCLEAR CORALLIFORM; CATARACT 14, EMBRYONAL NUCLEAR; CATARACT 14, COPPOCK-LIKE. Identifiers: Orphanet 91492, MedGen C1866078, MONDO:0011162, OMIM 601885.

Submission:

Dept. Genetics and Cancer, Menzies Institute for Medical Research, University of Tasmania
Classification: Uncertain significance for Cataract 14 multiple types. Last evaluated: 2023-01-21. Review status: criteria provided, single submitter. Criteria: ACMG Guidelines, 2015. Collection method: curation. Allele origin: germline. Affected: yes.
Comment: Variant identified and curated during a GJA3 specific review of the literature in relation to pediatric or congenital cataract. ACMG-AMP criteria applied: PM2(Supporting), PP3. Original variant report: PMID:23734083. The cataract phenotype reported for this variant is: Lamellar. Gene review and curation guidelines are outlined in: DOI 10.1080/17469899.2023.2160320

Literature cited by the submitters: PubMed 23734083.